The following is an entry in ClinVar:

NM_000277.3(PAH):c.1174T>A (p.Phe392Ile)

Gene: PAH (phenylalanine hydroxylase; minus strand). Cytogenetic location: 12q23.2.
Variant type: single nucleotide variant.
Coding change: c.1174T>A on transcript NM_000277.3 (MANE Select); coding-DNA position 1174, T replaced by A.
Protein change: p.Phe392Ile; replaces phenylalanine 392 with isoleucine.
Molecular consequence: missense variant.
Genome position (GRCh38, 1-based): chr12:102,843,671, A>T on the plus strand (T>A on the coding strand, the complement: PAH is on the minus strand). VCF-style: chr12-102843671-A-T. GRCh37 (hg19) VCF-style: chr12-103237449-A-T.
Other names: c.1174T>A, p.Phe392Ile (NM_001354304.2); c.1174T>A (NM_000277.2); short protein forms F392I.
Identifiers: ClinVar variation 853581 (VCV000853581.27), dbSNP rs180819807, ClinGen allele CA6748732.
Genomic context (GRCh38, chr12:102,843,671, plus strand): 5'-CCAGAGCTAGTGGCTCACCTTTGTCACCACCTCACCTTACTTTCTCCTTGGCATCATTAA[A>T]ACTCTCTGCCACGTAATAGAGGGGCTGGAACTCCGTGACAGTGTAATTTTGGATGGCTGT-3'
Protein context (NP_000268.1, residues 382-402): FQPLYYVAES[Phe392Ile]NDAKEKVRNF

ClinVar aggregate classification (germline): Pathogenic. Review status: reviewed by expert panel (3 of 4 stars). 10 submissions from 10 submitters: Pathogenic (1). 9 of the submissions do not count toward it. Last evaluated 2019-10-17.

Conditions:
Phenylketonuria (PKU). Also called: FOLLING DISEASE; Phenylketonuria (PKU); OLIGOPHRENIA PHENYLPYRUVICA; Phenylketonurias. Identifiers: Orphanet 716, MedGen C0031485, MONDO:0009861, OMIM 261600. Disease mechanism: loss of function.
PAH-related disorder. Also called: PAH-related condition.

Allele frequency attached by ClinVar (database versions not stated): 1000 Genomes Project 30x 0.00016; TOPMed below 0.00001; ExAC 0.00007; gnomAD exomes 0.00007 and 0.00001; 1000 Genomes Project 0.00020; gnomAD 0.00001.
gnomAD v4.1: 15 of 1,613,388 alleles (0.00093%); highest among the groups gnomAD compares: East Asian, 0.033%; no homozygotes.

Submissions (10):

ClinGen PAH Variant Curation Expert Panel
Classification: Pathogenic for Phenylketonuria. Last evaluated: 2019-10-17. Review status: reviewed by expert panel. Criteria: ClinGen PAH ACMG Specifications v1. Collection method: curation. Allele origin: germline. Inheritance: Autosomal recessive inheritance.
Comment: This c.1174T>A (p.F392I) variant was documented 19 times in patients with PAH deficiency; DHPR activity, biopterin and/or pteridine analysis was performed to rule out other causes of hyperphenylalaninemia (PMID: 26503515, 30459323, 26322415, 30747360). This variant was detected in at least 8 mild hyperphenylalaninemia (MHP) patients and 1 classical PKU patient with a pathogenic variant in trans (PMID: 24401910, 29316886, 30050108, 31445982). This missense variant is predicted to be damaging (SIFT), probably damaging (PolyPhen2), and disease causing (MutationTaster). In summary, this variant meets criteria to be classified as pathogenic for PAH. PAH-specific ACMG/AMP criteria applied: PP3, PP4_moderate, PM3_very strong.

Natera, Inc.
Classification: Pathogenic for Phenylketonuria. Last evaluated: 2025-04-24. Review status: criteria provided, single submitter. Criteria: Natera Variant Classification Schema (03/2026). Collection method: clinical testing. Allele origin: germline. Not counted in ClinVar's aggregate classification.
Comment: The c.1174T>A variant in PAH is a missense variant predicted to cause substitution of phenylalanine to isoleucine at amino acid 392. This variant is rare in the general population with a frequency below the threshold expected for the associated phenotype(s). This variant has been observed in one or more individuals affected with the associated recessive disease, as either homozygous or compound heterozygous with a second variant (PMID: 30050108). Computational prediction algorithms indicate this variant is likely to affect gene or protein function. Given the available evidence, this variant is classified as Pathogenic.

GeneDx
Classification: Pathogenic. Last evaluated: 2024-04-22. Review status: criteria provided, single submitter. Criteria: GeneDx Variant Classification Process June 2021. Collection method: clinical testing. Allele origin: germline. Affected: yes. Not counted in ClinVar's aggregate classification.
Comment: In silico analysis supports that this missense variant has a deleterious effect on protein structure/function; This variant is associated with the following publications: (PMID: 29316886, 24401910, 26322415, 31102715, 26503515, 30050108, 32654453, 31445982, 30459323, 30747360, 29499199, 34653385, 32039316, 35952926, 32778825, 38470552, 32668217, 34394177, 36755623, 35502621, 33980295, 35085585, 32893076, 37004080, 35664874, 35665479, 31737040, 36845377, 36787440, 38380423, 37098607, 36104584, 33058845)

Labcorp Genetics (formerly Invitae), Labcorp
Classification: Pathogenic for Phenylketonuria. Last evaluated: 2024-02-20. Review status: criteria provided, single submitter. Criteria: Invitae Variant Classification Sherloc (09022015). Collection method: clinical testing. Allele origin: germline. Not counted in ClinVar's aggregate classification.
Comment: This sequence change replaces phenylalanine, which is neutral and non-polar, with isoleucine, which is neutral and non-polar, at codon 392 of the PAH protein (p.Phe392Ile). This variant is present in population databases (rs180819807, gnomAD 0.08%). This missense change has been observed in individual(s) with hyperphenylalaninemia or phenylketonuria (PMID: 24401910, 26322415, 29499199, 30459323, 31102715). ClinVar contains an entry for this variant (Variation ID: 853581). Advanced modeling of protein sequence and biophysical properties (such as structural, functional, and spatial information, amino acid conservation, physicochemical variation, residue mobility, and thermodynamic stability) performed at Invitae indicates that this missense variant is not expected to disrupt PAH protein function with a negative predictive value of 80%. Experimental studies are conflicting or provide insufficient evidence to determine the effect of this variant on PAH function (PMID: 24401910). For these reasons, this variant has been classified as Pathogenic.

Women's Health and Genetics/Laboratory Corporation of America, LabCorp
Classification: Pathogenic for Phenylketonuria. Last evaluated: 2023-03-27. Review status: criteria provided, single submitter. Criteria: LabCorp Variant Classification Summary - May 2015. Collection method: clinical testing. Allele origin: germline. Not counted in ClinVar's aggregate classification.
Comment: Variant summary: PAH c.1174T>A (p.Phe392Ile) results in a non-conservative amino acid change located in the Aromatic amino acid hydroxylase, C-terminal domain (IPR019774) of the encoded protein sequence. Four of five in-silico tools predict a damaging effect of the variant on protein function. The variant allele was found at a frequency of 6.8e-05 in 251308 control chromosomes. This frequency is not significantly higher than estimated for a pathogenic variant in PAH causing Phenylalanine Hydroxylase Deficiency (Phenylketonuria) (6.8e-05 vs 0.0079), allowing no conclusion about variant significance. c.1174T>A has been reported in the literature as bialelic compound heterozygous genotypes in multiple individuals affected with Phenylalanine Hydroxylase Deficiency (Phenylketonuria) (example, Li_2018). These data indicate that the variant is very likely to be associated with disease. To our knowledge, no experimental evidence demonstrating an impact on protein function has been reported/ascertained. Four clinical diagnostic laboratories and the ClinGen PAH Variant Curation Expert Panel have submitted clinical-significance assessments for this variant to ClinVar after 2014 without evidence for independent evaluation. All submitters classified the variant as pathogenic. Based on the evidence outlined above, the variant was classified as pathogenic.

Revvity Omics, Revvity
Classification: Pathogenic for Phenylketonuria. Last evaluated: 2022-11-21. Review status: criteria provided, single submitter. Criteria: ACMG Guidelines, 2015. Collection method: clinical testing. Allele origin: germline. Not counted in ClinVar's aggregate classification.

Fulgent Genetics
Classification: Pathogenic for Phenylketonuria. Last evaluated: 2021-10-27. Review status: criteria provided, single submitter. Criteria: ACMG Guidelines, 2015. Collection method: clinical testing. Allele origin: unknown. Not counted in ClinVar's aggregate classification.

Juno Genomics, Hangzhou Juno Genomics, Inc
Classification: Pathogenic for Phenylketonuria. Review status: criteria provided, single submitter. Criteria: ACMG Guidelines, 2015. Collection method: clinical testing. Allele origin: germline. Affected: yes. Not counted in ClinVar's aggregate classification.
Comment: For recessive disorders, detected in trans with a pathogenic variant.;Patient's phenotype or family history is highly specific for a disease with a single genetic etiology.;Multiple lines of computational evidence support a deleterious effect on the gene or gene product (conservation, evolutionary, splicing impact, etc).

PreventionGenetics, part of Exact Sciences
Classification: Pathogenic for PAH-related condition. Last evaluated: 2024-09-18. Review status: no assertion criteria provided. Collection method: clinical testing. Allele origin: germline. Not counted in ClinVar's aggregate classification.
Comment: The PAH c.1174T>A variant is predicted to result in the amino acid substitution p.Phe392Ile. This variant has been reported multiple times in patients with phenylalanine hydroxylase deficiency, with most patients presenting with mild hyperphenylalaninemia (e.g., Chen et al. 2018. PubMed ID: 30459323; Tao et al. 2015. PubMed ID: 26322415; Additional File 1 in Liu et al. 2017. PubMed ID: 28982351; Table S1 in Li et al. 2018. PubMed ID: 30050108; Yan et al. 2019. PubMed ID: 30747360). This variant is reported in 0.092% of alleles in individuals of East Asian descent in gnomAD. This variant is interpreted as pathogenic in ClinVar, including by the ClinGen PAH Variant Curation Expert Panel. In summary, this variant is interpreted as pathogenic.

Neonatal Disease Screening Center, Medical Genetics Center, Huaihua City Maternal and Child Health Care Hospital
Classification: Likely pathogenic for Phenylketonuria. Review status: no assertion criteria provided. Criteria: ACMG Guidelines, 2015. Collection method: clinical testing. Allele origin: germline. Affected: yes. Observed: 3 variant alleles. Not counted in ClinVar's aggregate classification.
Comment: PM3_VS+PP1+PP3+PP4_M

Literature cited by the submitters: PubMed 29316886 (cited by ClinGen PAH Variant Curation Expert Panel); PubMed 24401910 (cited by ClinGen PAH Variant Curation Expert Panel and Labcorp Genetics (formerly Invitae), Labcorp); PubMed 30459323 (cited by ClinGen PAH Variant Curation Expert Panel and Labcorp Genetics (formerly Invitae), Labcorp); PubMed 30747360 (cited by ClinGen PAH Variant Curation Expert Panel); PubMed 30050108 (cited by 3 submitters); PubMed 26322415 (cited by ClinGen PAH Variant Curation Expert Panel and Labcorp Genetics (formerly Invitae), Labcorp); PubMed 31445982 (cited by ClinGen PAH Variant Curation Expert Panel); PubMed 26503515 (cited by ClinGen PAH Variant Curation Expert Panel); PubMed 29499199 (cited by Labcorp Genetics (formerly Invitae), Labcorp); PubMed 31102715 (cited by Labcorp Genetics (formerly Invitae), Labcorp and Women's Health and Genetics/Laboratory Corporation of America, LabCorp).